The following is an entry in ClinVar:

NM_001039.4(SCNN1G):c.*790C>T

Gene: SCNN1G (sodium channel epithelial 1 subunit gamma; plus strand). Cytogenetic location: 16p12.2.
Variant type: single nucleotide variant.
Coding change: c.*790C>T on transcript NM_001039.4 (MANE Select); 790 bases downstream of the stop codon, C replaced by T.
Molecular consequence: 3 prime UTR variant.
Genome position (GRCh38, 1-based): chr16:23,216,259, C>T. VCF-style: chr16-23216259-C-T. GRCh37 (hg19) VCF-style: chr16-23227580-C-T.
Identifiers: ClinVar variation 318375 (VCV000318375.6), dbSNP rs9932505, ClinGen allele CA10647183.

ClinVar aggregate classification (germline): Benign. Review status: criteria provided, multiple submitters, no conflicts (2 of 4 stars). 3 submissions from 2 submitters: Benign (3). Last evaluated 2017-04-27.

Conditions:
Liddle syndrome 2. Identifiers: MedGen C4748251, MONDO:0020854, OMIM 618114.
Pseudohypoaldosteronism, type IB1, autosomal recessive. Also called: Pseudohypoaldosteronism, Type I, Autosomal Recessive; PHA I, AUTOSOMAL RECESSIVE; Pseudohypoaldosteronism, Type I, Recessive; Autosomal recessive pseudohypoaldosteronism type 1. Identifiers: Orphanet 171876, Orphanet 756, MedGen C5774176, MONDO:0009917, OMIM 264350.

Allele frequency attached by ClinVar (database versions not stated): 1000 Genomes Project 0.15056; 1000 Genomes Project 30x 0.15131; TOPMed 0.20281; gnomAD 0.20767 and 0.21456.

Submissions (3):

Illumina Laboratory Services, Illumina
Classification: Benign for Liddle syndrome 2. Last evaluated: 2017-04-27. Review status: criteria provided, single submitter. Criteria: ICSL Variant Classification Criteria 13 December 2019. Collection method: clinical testing. Allele origin: germline.
Comment: This variant was observed as part of a predisposition screen in an ostensibly healthy population. A literature search was performed for the gene, cDNA change, and amino acid change (where applicable). No publications were found based on this search. Allele frequency data from public databases was too high to be consistent with this variant causing disease. Therefore, this variant is classified as benign.

Illumina Laboratory Services, Illumina
Classification: Benign for Pseudohypoaldosteronism, type IB1, autosomal recessive. Last evaluated: 2017-04-27. Review status: criteria provided, single submitter. Criteria: ICSL Variant Classification Criteria 13 December 2019. Collection method: clinical testing. Allele origin: germline.
Comment: the same text as in the submission from Illumina Laboratory Services, Illumina above.

Breakthrough Genomics
Classification: Benign. Review status: criteria provided, single submitter. Criteria: ACMG Guidelines, 2015. Collection method: not provided. Allele origin: germline. Inheritance: Autosomal dominant inheritance. Affected: yes.